The following is an entry in ClinVar:

NM_014270.5(SLC7A9):c.873G>A (p.Val291=)

Gene: SLC7A9 (solute carrier family 7 member 9; minus strand). Cytogenetic location: 19q13.11.
Variant type: single nucleotide variant.
Coding change: c.873G>A on transcript NM_014270.5 (MANE Select); coding-DNA position 873, G replaced by A.
Protein change: p.Val291=; no amino-acid change (valine 291 retained).
Molecular consequence: synonymous variant.
Genome position (GRCh38, 1-based): chr19:32,859,841, C>T on the plus strand (G>A on the coding strand, the complement: SLC7A9 is on the minus strand). VCF-style: chr19-32859841-C-T. GRCh37 (hg19) VCF-style: chr19-33350747-C-T.
Other names: c.873G>A, p.Val291= (NM_001126335.2, NM_001243036.2).
Identifiers: ClinVar variation 2960265 (VCV002960265.3), dbSNP rs371706017, ClinGen allele CA506666504.

ClinVar aggregate classification (germline): Uncertain significance (1 of 4 stars; one submission).

gnomAD v4.1: 9 of 1,613,550 alleles (0.00056%); highest among the groups gnomAD compares: African/African-American, 0.0027%; no homozygotes.

Submission:

Labcorp Genetics (formerly Invitae), Labcorp
Classification: Uncertain significance. Last evaluated: 2023-12-06. Review status: criteria provided, single submitter. Criteria: Invitae Variant Classification Sherloc (09022015). Collection method: clinical testing. Allele origin: germline.
Comment: This sequence change affects codon 291 of the SLC7A9 mRNA. It is a 'silent' change, meaning that it does not change the encoded amino acid sequence of the SLC7A9 protein. This variant also falls at the last nucleotide of exon 8, which is part of the consensus splice site for this exon. This variant is not present in population databases (gnomAD no frequency). This variant has not been reported in the literature in individuals affected with SLC7A9-related conditions. Variants that disrupt the consensus splice site are a relatively common cause of aberrant splicing (PMID: 17576681, 9536098). Algorithms developed to predict the effect of sequence changes on RNA splicing suggest that this variant is not likely to affect RNA splicing. In summary, the available evidence is currently insufficient to determine the role of this variant in disease. Therefore, it has been classified as a Variant of Uncertain Significance.

Literature cited by the submitters: PubMed 17576681; PubMed 9536098.